The following is an entry in ClinVar:

ClinVar aggregate classification (germline): Uncertain significance. Review status: criteria provided, multiple submitters, no conflicts (2 of 4 stars). 2 submissions from 2 submitters: Uncertain significance (2). Last evaluated 2025-07-29.

Conditions:
Cardiovascular phenotype. Identifiers: MedGen CN230736.

Allele frequency attached by ClinVar (database versions not stated): gnomAD exomes below 0.00001.
gnomAD v4.1: 1 of 1,614,072 alleles (0.000062%); highest among the groups gnomAD compares: Non-Finnish European, 0.000085%; no homozygotes.

Submissions (2):

Labcorp Genetics (formerly Invitae), Labcorp
Classification: Uncertain significance. Last evaluated: 2025-07-29. Review status: criteria provided, single submitter. Criteria: Invitae Variant Classification Sherloc (09022015). Collection method: clinical testing. Allele origin: germline.
Comment: This sequence change replaces proline, which is neutral and non-polar, with leucine, which is neutral and non-polar, at codon 1476 of the ALPK3 protein (p.Pro1476Leu). This variant is not present in population databases (gnomAD no frequency). This variant has not been reported in the literature in individuals affected with ALPK3-related conditions. ClinVar contains an entry for this variant (Variation ID: 1740517). Invitae Evidence Modeling of protein sequence and biophysical properties (such as structural, functional, and spatial information, amino acid conservation, physicochemical variation, residue mobility, and thermodynamic stability) indicates that this missense variant is expected to disrupt ALPK3 protein function with a positive predictive value of 80%. In summary, the available evidence is currently insufficient to determine the role of this variant in disease. Therefore, it has been classified as a Variant of Uncertain Significance.

Ambry Genetics
Classification: Uncertain significance for Cardiovascular phenotype. Last evaluated: 2020-06-30. Review status: criteria provided, single submitter. Criteria: Ambry Variant Classification Scheme 2023. Collection method: clinical testing. Allele origin: germline.
Comment: The p.P1476L variant (also known as c.4427C>T), located in coding exon 7 of the ALPK3 gene, results from a C to T substitution at nucleotide position 4427. The proline at codon 1476 is replaced by leucine, an amino acid with similar properties. This amino acid position is highly conserved in available vertebrate species. In addition, the in silico prediction for this alteration is inconclusive. Since supporting evidence is limited at this time, the clinical significance of this alteration remains unclear.

NM_020778.5(ALPK3):c.3821C>T (p.Pro1274Leu)

Gene: ALPK3 (alpha kinase 3; plus strand). Cytogenetic location: 15q25.3.
Variant type: single nucleotide variant.
Coding change: c.3821C>T on transcript NM_020778.5 (MANE Select); coding-DNA position 3821, C replaced by T.
Protein change: p.Pro1274Leu; replaces proline 1274 with leucine.
Molecular consequence: missense variant.
Genome position (GRCh38, 1-based): chr15:84,859,246, C>T. VCF-style: chr15-84859246-C-T. GRCh37 (hg19) VCF-style: chr15-85402477-C-T.
Other names: short protein forms P1274L.
Identifiers: ClinVar variation 1740517 (VCV001740517.3), dbSNP rs2505723828, ClinGen allele CA393361137.
Genomic context (GRCh38, chr15:84,859,246, plus strand): 5'-CAAGGATATGGCCAGAGGAGAGGTGGTGTTCCCCTCTTGACTGGGCCCTGCTCTCAGCCC[C>T]ACAGGTGATCCGGAAGATTCGGGTGGAGCAGTTTCCTGATGCCTCCGGTAGCCTGAAGCT-3'
Protein context (NP_065829.4, residues 1264-1284): PRKAKDLLKA[Pro1274Leu]QVIRKIRVEQ